The following is an entry in ClinVar:

NM_021930.6(RINT1):c.1084G>A (p.Val362Ile)

Gene: RINT1 (RAD50 interactor 1; plus strand). Cytogenetic location: 7q22.3.
Variant type: single nucleotide variant.
Coding change: c.1084G>A on transcript NM_021930.6 (MANE Select); coding-DNA position 1084, G replaced by A.
Protein change: p.Val362Ile; replaces valine 362 with isoleucine.
Molecular consequence: missense variant. On other transcripts: non-coding transcript variant (1).
Genome position (GRCh38, 1-based): chr7:105,550,142, G>A. VCF-style: chr7-105550142-G-A. GRCh37 (hg19) VCF-style: chr7-105190589-G-A.
Other names: c.850G>A, p.Val284Ile (NM_001346599.2); c.61G>A, p.Val21Ile (NM_001346600.2, NM_001346603.2); c.160G>A, p.Val54Ile (NM_001346601.2); short protein forms V362I, V21I, V284I, V54I.
Identifiers: ClinVar variation 662643 (VCV000662643.11), dbSNP rs1586240760, ClinGen allele CA368808554.

ClinVar aggregate classification (germline): Uncertain significance. Review status: criteria provided, multiple submitters, no conflicts (2 of 4 stars). 2 submissions from 2 submitters: Uncertain significance (2). Last evaluated 2023-11-29.

Allele frequency attached by ClinVar (database versions not stated): gnomAD exomes below 0.00001; TOPMed below 0.00001; gnomAD 0.00001.
gnomAD v4.1: 5 of 1,613,402 alleles (0.00031%); highest among the groups gnomAD compares: African/African-American, 0.0053%; no homozygotes.

Submissions (2):

Ambry Genetics
Classification: Uncertain significance. Last evaluated: 2023-11-29. Review status: criteria provided, single submitter. Criteria: Ambry Variant Classification Scheme 2023. Collection method: clinical testing. Allele origin: germline.
Comment: The p.V362I variant (also known as c.1084G>A), located in coding exon 8 of the RINT1 gene, results from a G to A substitution at nucleotide position 1084. The valine at codon 362 is replaced by isoleucine, an amino acid with highly similar properties. This amino acid position is poorly conserved in available vertebrate species. In addition, this alteration is predicted to be tolerated by in silico analysis. Since supporting evidence is limited at this time, the clinical significance of this alteration remains unclear.

Labcorp Genetics (formerly Invitae), Labcorp
Classification: Uncertain significance. Last evaluated: 2023-07-10. Review status: criteria provided, single submitter. Criteria: Invitae Variant Classification Sherloc (09022015). Collection method: clinical testing. Allele origin: germline.
Comment: In summary, the available evidence is currently insufficient to determine the role of this variant in disease. Therefore, it has been classified as a Variant of Uncertain Significance. Algorithms developed to predict the effect of sequence changes on RNA splicing suggest that this variant may disrupt the consensus splice site. An algorithm developed to predict the effect of missense changes on protein structure and function (PolyPhen-2) suggests that this variant is likely to be tolerated. ClinVar contains an entry for this variant (Variation ID: 662643). This variant has not been reported in the literature in individuals affected with RINT1-related conditions. This variant is not present in population databases (gnomAD no frequency). This sequence change replaces valine, which is neutral and non-polar, with isoleucine, which is neutral and non-polar, at codon 362 of the RINT1 protein (p.Val362Ile).